The following is an entry in ClinVar:

NM_005670.4(EPM2A):c.835G>A (p.Gly279Ser)

Gene: EPM2A (EPM2A glucan phosphatase, laforin; minus strand). Cytogenetic location: 6q24.3.
Variant type: single nucleotide variant.
Coding change: c.835G>A on transcript NM_005670.4 (MANE Select); coding-DNA position 835, G replaced by A.
Protein change: p.Gly279Ser; replaces glycine 279 with serine.
Molecular consequence: missense variant. On other transcripts: non-coding transcript variant (1).
Genome position (GRCh38, 1-based): chr6:145,627,577, C>T on the plus strand (G>A on the coding strand, the complement: EPM2A is on the minus strand). VCF-style: chr6-145627577-C-T. GRCh37 (hg19) VCF-style: chr6-145948713-C-T.
Other names: NM_005670.4(EPM2A):c.835G>A; c.835G>A, p.Gly279Ser (NM_001018041.2); c.593G>A, p.Arg198Gln (NM_001360057.2); c.421G>A, p.Gly141Ser (NM_001360064.2, NM_001360071.2, NM_001368131.1); c.373G>A, p.Gly125Ser (NM_001368129.2, NM_001368132.1); short protein forms G279S, G125S, R198Q, G141S.
Identifiers: ClinVar variation 3099 (VCV000003099.11), dbSNP rs137852917, ClinGen allele CA252542.

ClinVar aggregate classification (germline): Pathogenic/Likely pathogenic. Review status: criteria provided, multiple submitters, no conflicts (2 of 4 stars). 4 submissions from 4 submitters: Pathogenic (1); Likely pathogenic (1). 2 of the submissions do not count toward it. Last evaluated 2025-01-03.

Conditions:
Myoclonic epilepsy of Lafora 1 (MELF1). Also called: EPM2A-Related Lafora Disease; Epilepsy, progressive myoclonic 2A (Lafora); EPILEPSY, PROGRESSIVE MYOCLONIC, 2A; LAFORA DISEASE 1. Identifiers: MedGen CN377204, MONDO:0958199, OMIM 254780.
Progressive myoclonic epilepsy. Also called: Progressive myoclonus epilepsy; Myoclonic Epilepsies, Progressive; Familial progressive myoclonic epilepsy; Myoclonus epilepsy. Identifiers: Orphanet 308, Orphanet 98261, MedGen C0751778, MONDO:0020074.
Lafora disease. Also called: Epilepsy progressive myoclonic 2; Progressive Myoclonus Epilepsy, Lafora Type. Identifiers: Orphanet 501, MedGen C0751783, MONDO:0009697.

Allele frequency attached by ClinVar (database versions not stated): TOPMed below 0.00001.
gnomAD v4.1: 22 of 1,614,250 alleles (0.0014%); highest among the groups gnomAD compares: East Asian, 0.0045%; no homozygotes.

Submissions (4):

Broad Center for Mendelian Genomics, Broad Institute of MIT and Harvard
Classification: Likely pathogenic for Lafora disease. Last evaluated: 2025-01-03. Review status: criteria provided, single submitter. Criteria: ACMG Guidelines, 2015. Collection method: curation. Allele origin: germline. Inheritance: Autosomal recessive inheritance.
Comment: The p.Gly279Ser variant in EPM2A has been reported in at least 8 individuals with Lafora disease (PMID: 9771710, 9931343, 11175283, 16529633, 17389303, 14722920, 33773408), and has been identified in in 0.005% (2/39700) of East Asian chromosomes by the Genome Aggregation Database (gnomAD; dbSNP ID: rs137852917). Although this variant has been seen in the general population in a heterozygous state, its frequency is low enough to be consistent with a recessive carrier frequency. This variant has also been reported in ClinVar (Variation ID: 3099) and has been interpreted as pathogenic by OMIM and likely pathogenic by Mayo Clinic Laboratories (Mayo Clinic). Of the 8 affected individuals, at least 2 were compound heterozygotes that carried a reported pathogenic variant in trans, which increases the likelihood that the p.Gly279Ser variant is pathogenic (Variation ID: 3098; PMID: 9771710, 16529633). In vitro functional studies provide some evidence that the p.Gly279Ser variant may impact protein function (PMID: 12019207, 14532330, 17337485, 18029386, 22124153, 34755096). However, these types of assays may not accurately represent biological function. Computational prediction tools and conservation analyses do not provide strong support for or against an impact to the protein. The phenotypes of eight individuals heterozygous for this variant are highly specific for Lafora disease based on Lafora bodies identified via biopsy consistent with disease (PMID: 33773408, 11175283, 16529633, 9931343, 9771710). In summary, although additional studies are required to fully establish its clinical significance, this variant is likely pathogenic for autosomal recessive Lafora disease. ACMG/AMP Criteria applied: PM3_strong, PP4, PS3_moderate, PM2_supporting (Richards 2015).

Labcorp Genetics (formerly Invitae), Labcorp
Classification: Pathogenic for Progressive myoclonic epilepsy. Last evaluated: 2024-09-03. Review status: criteria provided, single submitter. Criteria: Invitae Variant Classification Sherloc (09022015). Collection method: clinical testing. Allele origin: germline.
Comment: This sequence change replaces glycine, which is neutral and non-polar, with serine, which is neutral and polar, at codon 279 of the EPM2A protein (p.Gly279Ser). This variant is present in population databases (rs137852917, gnomAD 0.0009%). This missense change has been observed in individual(s) with Lafora disease (PMID: 9771710, 33773408). ClinVar contains an entry for this variant (Variation ID: 3099). Invitae Evidence Modeling of protein sequence and biophysical properties (such as structural, functional, and spatial information, amino acid conservation, physicochemical variation, residue mobility, and thermodynamic stability) has been performed for this missense variant. However, the output from this modeling did not meet the statistical confidence thresholds required to predict the impact of this variant on EPM2A protein function. Experimental studies have shown that this missense change affects EPM2A function (PMID: 12019207, 14532330). This variant disrupts the p.Gly279 amino acid residue in EPM2A. Other variant(s) that disrupt this residue have been determined to be pathogenic (PMID: 25246353). This suggests that this residue is clinically significant, and that variants that disrupt this residue are likely to be disease-causing. For these reasons, this variant has been classified as Pathogenic.

Mayo Clinic Laboratories, Mayo Clinic
Classification: Likely pathogenic. Last evaluated: 2017-04-24. Review status: no assertion criteria provided. Collection method: clinical testing. Allele origin: unknown. Not counted in ClinVar's aggregate classification.

OMIM
Classification: Pathogenic for MYOCLONIC EPILEPSY OF LAFORA 1. Last evaluated: 2005-10-01. Review status: no assertion criteria provided. Collection method: literature only. Allele origin: germline. Not counted in ClinVar's aggregate classification.

Literature cited by the submitters: PubMed 9771710 (cited by Labcorp Genetics (formerly Invitae), Labcorp and OMIM); PubMed 33773408 (cited by Labcorp Genetics (formerly Invitae), Labcorp); PubMed 12019207 (cited by Labcorp Genetics (formerly Invitae), Labcorp); PubMed 14532330 (cited by Labcorp Genetics (formerly Invitae), Labcorp); PubMed 25246353 (cited by Labcorp Genetics (formerly Invitae), Labcorp); PubMed 16134145 (cited by OMIM); PubMed 9931343 (cited by OMIM).